The following is an entry in ClinVar:

ClinVar aggregate classification (germline): Uncertain significance (1 of 4 stars; one submission).

Submission:

Women's Health and Genetics/Laboratory Corporation of America, LabCorp
Classification: Uncertain significance. Last evaluated: 2023-03-13. Review status: criteria provided, single submitter. Criteria: LabCorp Variant Classification Summary - May 2015. Collection method: clinical testing. Allele origin: germline.
Comment: Variant summary: RASA2 c.1751_1752+2delinsGGG is located in a canonical splice-site and is predicted to affect mRNA splicing resulting in a significantly altered protein due to either exon skipping, shortening, or inclusion of intronic material. Several computational tools predict a significant impact on normal splicing: Three predict the variant abolishes a 5' splicing donor site. However, these predictions have yet to be confirmed by functional studies. The frequency of this variant in the general population could not be determined as the technology used for large population databases (ExAC, gnomAD, ESP, 1000G) cannot detect variants of this type. To our knowledge, no occurrence of c.1751_1752+2delinsGGG in individuals affected with Noonan Syndrome and no experimental evidence demonstrating its impact on protein function have been reported. No clinical diagnostic laboratories have submitted clinical-significance assessments for this variant to ClinVar after 2014. Based on the evidence outlined above, the variant was classified as uncertain significance.

NM_006506.5(RASA2):c.1751_1752+2delinsGGG

Gene: RASA2 (RAS p21 protein activator 2; plus strand). Cytogenetic location: 3q23.
Variant type: Indel.
Coding change: c.1751_1752+2delinsGGG on transcript NM_006506.5 (MANE Select); coding-DNA position 1751 through the canonical splice donor site of the intron after coding-DNA position 1752, AGGT replaced by GGG.
Molecular consequence: splice donor variant.
Genome position (GRCh38, 1-based): chr3:141,581,176-141,581,179, AGGT replaced by GGG. VCF-style: chr3-141581176-AGGT-GGG. GRCh37 (hg19) VCF-style: chr3-141300018-AGGT-GGG.
Other names: c.1751_1752+2delinsGGG (NM_001303245.3, NM_001303246.3).
Identifiers: ClinVar variation 2501179 (VCV002501179.1), dbSNP rs2478758621, ClinGen allele CA2580615985.